The following is an entry in ClinVar:

NM_017780.4(CHD7):c.3835G>A (p.Asp1279Asn)

Gene: CHD7 (chromodomain helicase DNA binding protein 7; plus strand). Cytogenetic location: 8q12.2.
Variant type: single nucleotide variant.
Coding change: c.3835G>A on transcript NM_017780.4 (MANE Select); coding-DNA position 3835, G replaced by A.
Protein change: p.Asp1279Asn; replaces aspartic acid 1279 with asparagine.
Molecular consequence: missense variant. On other transcripts: intron variant (1).
Genome position (GRCh38, 1-based): chr8:60,836,129, G>A. VCF-style: chr8-60836129-G-A. GRCh37 (hg19) VCF-style: chr8-61748688-G-A.
Other names: c.1717-26100G>A (NM_001316690.1); short protein forms D1279N.
Identifiers: ClinVar variation 219545 (VCV000219545.7), dbSNP rs864622150, ClinGen allele CA350584.
Genomic context (GRCh38, chr8:60,836,129, plus strand): 5'-GCAGGTGCTGAAGAGAAAATTTTGGAAGAGTTTAAAGAAACACACAATGCAGAGTCTCCA[G>A]ATTTTCAGCTCCAGGCAATGATCCAGGCTGCTGGCAAGCTAGTGCTGATTGACAAGCTGC-3'
Protein context (NP_060250.2, residues 1269-1289): FKETHNAESP[Asp1279Asn]FQLQAMIQAA

ClinVar aggregate classification (germline): Uncertain significance (1 of 4 stars; one submission).

Conditions:
CHARGE syndrome (CHARGE). Also called: Coloboma, heart anomaly, choanal atresia, retardation, genital and ear anomalies; CHARGE association; Hall-Hittner syndrome; CHARGE ASSOCIATION--COLOBOMA, HEART ANOMALY, CHOANAL ATRESIA, RETARDATION, GENITAL AND EAR ANOMALIES; Hittner Hirsch Kreh syndrome. Identifiers: Orphanet 138, MedGen C0265354, MONDO:0008965.

Submission:

Labcorp Genetics (formerly Invitae), Labcorp
Classification: Uncertain significance for CHARGE syndrome. Last evaluated: 2015-07-18. Review status: criteria provided, single submitter. Criteria: Invitae Variant Classification Sherloc (09022015). Collection method: clinical testing. Allele origin: germline.
Comment: This sequence change replaces aspartic acid with asparagine at codon 1279 of the CHD7 protein (p.Asp1279Asn). The aspartic acid residue is highly conserved and there is a small physicochemical difference between aspartic acid and asparagine. Algorithms developed to predict the effect of missense changes on protein structure and function do not agree on the potential impact of this missense change (SIFT: "tolerated"; PolyPhen-2: "Possibly Damaging"; Align-GVGD: "Class C0"). In summary, this is a novel missense change with uncertain impact on protein function. It has been classified as a Variant of Uncertain Significance. This variant has not been published in the literature and is not present in population databases.